The following is an entry in ClinVar:

NM_014023.4(WDR37):c.1000A>G (p.Thr334Ala)

Gene: WDR37 (WD repeat domain 37; plus strand). Cytogenetic location: 10p15.3.
Variant type: single nucleotide variant.
Coding change: c.1000A>G on transcript NM_014023.4 (MANE Select); coding-DNA position 1000, A replaced by G.
Protein change: p.Thr334Ala; replaces threonine 334 with alanine.
Molecular consequence: missense variant.
Genome position (GRCh38, 1-based): chr10:1,105,164, A>G. VCF-style: chr10-1105164-A-G. GRCh37 (hg19) VCF-style: chr10-1151104-A-G.
Other names: short protein forms T334A.
Identifiers: ClinVar variation 3769067 (VCV003769067.2).
Genomic context (GRCh38, chr10:1,105,164, plus strand): 5'-TGTTTTGCCATCTTGGTTACAGGGCACGACCAGGAGTTGACGCACTGCTGCACACACCCC[A>G]CCCAGCGGCTCGTGGTGACCTCCTCCCGTGACACGACTTTCCGCCTCTGGGATTTCAGGG-3'
Protein context (NP_054742.2, residues 324-344): QELTHCCTHP[Thr334Ala]QRLVVTSSRD

ClinVar aggregate classification (germline): Uncertain significance (1 of 4 stars; one submission).

Submission:

Women's Health and Genetics/Laboratory Corporation of America, LabCorp
Classification: Uncertain significance. Last evaluated: 2025-01-30. Review status: criteria provided, single submitter. Criteria: LabCorp Variant Classification Summary - May 2015. Collection method: clinical testing. Allele origin: germline.
Comment: Variant summary: WDR37 c.1000A>G (p.Thr334Ala) results in a non-conservative amino acid change in the encoded protein sequence. Three of five in-silico tools predict a damaging effect of the variant on protein function. The variant was absent in 251414 control chromosomes (gnomAD). The available data on variant occurrences in the general population are insufficient to allow any conclusion about variant significance. To our knowledge, no occurrence of c.1000A>G in individuals affected with neurooculocardiogenitourinary syndrome and no experimental evidence demonstrating its impact on protein function have been reported. No submitters have cited clinical-significance assessments for this variant to ClinVar. Based on the evidence outlined above, the variant was classified as uncertain significance.